The following is an entry in ClinVar:

NM_000245.4(MET):c.2920A>C (p.Arg974=)

Gene: MET (MET proto-oncogene, receptor tyrosine kinase; plus strand). Cytogenetic location: 7q31.2.
Variant type: single nucleotide variant.
Coding change: c.2920A>C on transcript NM_000245.4 (MANE Select); coding-DNA position 2920, A replaced by C.
Protein change: p.Arg974=; no amino-acid change (arginine 974 retained).
Molecular consequence: synonymous variant.
Genome position (GRCh38, 1-based): chr7:116,771,881, A>C. VCF-style: chr7-116771881-A-C. GRCh37 (hg19) VCF-style: chr7-116411935-A-C.
Other names: c.2974A>C, p.Arg992= (NM_001127500.3); c.1630A>C, p.Arg544= (NM_001324402.2).
Identifiers: ClinVar variation 3395124 (VCV003395124.3).

ClinVar aggregate classification (germline): Benign/Likely benign. Review status: criteria provided, multiple submitters, no conflicts (2 of 4 stars). 3 submissions from 3 submitters: Benign (1); Likely benign (2). Last evaluated 2025-03-17.

Conditions:
Papillary renal cell carcinoma type 1 (RCCP1). Also called: RENAL CELL CARCINOMA, PAPILLARY, 1, SOMATIC; Renal adenocarcinoma; Renal cell carcinoma 1; Renal cell carcinoma, somatic. Identifiers: Orphanet 47044, MedGen C1336839, OMIM 605074, HP:0011797.
Renal cell carcinoma. Identifiers: Orphanet 217071, MedGen C0007134, MeSH D002292, MONDO:0005086, HP:0005584.
Hereditary cancer-predisposing syndrome. Also called: Hereditary Cancer Syndrome; Tumor predisposition; Hereditary neoplastic syndrome; Neoplastic Syndromes, Hereditary. Identifiers: Orphanet 140162, MedGen C0027672, MeSH D009386, MONDO:0015356.

gnomAD v4.1: 3 of 1,613,724 alleles (0.00019%); highest among the groups gnomAD compares: South Asian, 0.0033%; no homozygotes.

Submissions (3):

Labcorp Genetics (formerly Invitae), Labcorp
Classification: Likely benign for Renal cell carcinoma. Last evaluated: 2025-03-17. Review status: criteria provided, single submitter. Criteria: Invitae Variant Classification Sherloc (09022015). Collection method: clinical testing. Allele origin: germline.

Myriad Genetics, Inc.
Classification: Benign for Papillary renal cell carcinoma type 1. Last evaluated: 2024-11-12. Review status: criteria provided, single submitter. Criteria: Myriad Autosomal Dominant, Autosomal Recessive and X-Linked Classification Criteria (2023). Collection method: clinical testing. Allele origin: unknown.
Comment: This variant is considered benign. This variant is a silent/synonymous amino acid change and it is not expected to impact splicing.

Ambry Genetics
Classification: Likely benign for Hereditary cancer-predisposing syndrome. Last evaluated: 2024-07-31. Review status: criteria provided, single submitter. Criteria: Ambry Variant Classification Scheme 2023. Collection method: clinical testing. Allele origin: germline.